The following is an entry in ClinVar:

NM_001376.5(DYNC1H1):c.13360G>C (p.Glu4454Gln)

Gene: DYNC1H1 (dynein cytoplasmic 1 heavy chain 1; plus strand). Cytogenetic location: 14q32.31.
Variant type: single nucleotide variant.
Coding change: c.13360G>C on transcript NM_001376.5 (MANE Select); coding-DNA position 13360, G replaced by C.
Protein change: p.Glu4454Gln; replaces glutamic acid 4454 with glutamine.
Molecular consequence: missense variant.
Genome position (GRCh38, 1-based): chr14:102,048,657, G>C. VCF-style: chr14-102048657-G-C. GRCh37 (hg19) VCF-style: chr14-102514994-G-C.
Other names: short protein forms E4454Q.
Identifiers: ClinVar variation 4802089 (VCV004802089.1).

ClinVar aggregate classification (germline): Uncertain significance (1 of 4 stars; one submission).

Conditions:
Charcot-Marie-Tooth disease axonal type 2O. Also called: CHARCOT-MARIE-TOOTH NEUROPATHY, AXONAL, TYPE 2O; CHARCOT-MARIE-TOOTH DISEASE, AXONAL, AUTOSOMAL DOMINANT, TYPE 2O; Charcot-Marie-Tooth Neuropathy Type 2O; Charcot-Marie-Tooth disease, axonal, type 20. Identifiers: Orphanet 284232, MedGen C3280220, MONDO:0013644, OMIM 614228.

Submission:

Labcorp Genetics (formerly Invitae), Labcorp
Classification: Uncertain significance for Charcot-Marie-Tooth disease axonal type 2O. Last evaluated: 2025-08-24. Review status: criteria provided, single submitter. Criteria: Invitae Variant Classification Sherloc (09022015). Collection method: clinical testing. Allele origin: germline.
Comment: This sequence change replaces glutamic acid, which is acidic and polar, with glutamine, which is neutral and polar, at codon 4454 of the DYNC1H1 protein (p.Glu4454Gln). This variant is not present in population databases (gnomAD no frequency). This variant has not been reported in the literature in individuals affected with DYNC1H1-related conditions. Invitae Evidence Modeling of protein sequence and biophysical properties (such as structural, functional, and spatial information, amino acid conservation, physicochemical variation, residue mobility, and thermodynamic stability) indicates that this missense variant is not expected to disrupt DYNC1H1 protein function with a negative predictive value of 95%. In summary, the available evidence is currently insufficient to determine the role of this variant in disease. Therefore, it has been classified as a Variant of Uncertain Significance.